The following is an entry in ClinVar:

NM_004380.3(CREBBP):c.170G>T (p.Gly57Val)

Gene: CREBBP (CREB binding lysine acetyltransferase; minus strand). Cytogenetic location: 16p13.3.
Variant type: single nucleotide variant.
Coding change: c.170G>T on transcript NM_004380.3 (MANE Select); coding-DNA position 170, G replaced by T.
Protein change: p.Gly57Val; replaces glycine 57 with valine.
Molecular consequence: missense variant.
Genome position (GRCh38, 1-based): chr16:3,850,925, C>A on the plus strand (G>T on the coding strand, the complement: CREBBP is on the minus strand). VCF-style: chr16-3850925-C-A. GRCh37 (hg19) VCF-style: chr16-3900926-C-A.
Other names: c.170G>T, p.Gly57Val (NM_001079846.1); short protein forms G57V.
Identifiers: ClinVar variation 4738038 (VCV004738038.1).

ClinVar aggregate classification (germline): Uncertain significance (1 of 4 stars; one submission).

Conditions:
Rubinstein-Taybi syndrome (RSTS). Identifiers: Orphanet 783, MedGen C0035934, MONDO:0019188.

gnomAD v4.1: 18 of 1,614,142 alleles (0.0011%); highest among the groups gnomAD compares: Non-Finnish European, 0.0015%; no homozygotes.

Submission:

Labcorp Genetics (formerly Invitae), Labcorp
Classification: Uncertain significance for Rubinstein-Taybi syndrome. Last evaluated: 2026-01-11. Review status: criteria provided, single submitter. Criteria: Invitae Variant Classification Sherloc (09022015). Collection method: clinical testing. Allele origin: germline.
Comment: This sequence change replaces glycine, which is neutral and non-polar, with valine, which is neutral and non-polar, at codon 57 of the CREBBP protein (p.Gly57Val). This variant is present in population databases (rs757504250, gnomAD 0.002%). This variant has not been reported in the literature in individuals affected with CREBBP-related conditions. Invitae Evidence Modeling of protein sequence and biophysical properties (such as structural, functional, and spatial information, amino acid conservation, physicochemical variation, residue mobility, and thermodynamic stability) indicates that this missense variant is expected to disrupt CREBBP protein function with a positive predictive value of 80%. In summary, the available evidence is currently insufficient to determine the role of this variant in disease. Therefore, it has been classified as a Variant of Uncertain Significance.